The following is an entry in ClinVar:

ClinVar aggregate classification (germline): Uncertain significance (1 of 4 stars; one submission).

Conditions:
Developmental and epileptic encephalopathy, 54. Also called: Epileptic encephalopathy, early infantile, 54; HNRNPU-Related Neurodevelopmental Disorder. Identifiers: MedGen C4479319, MONDO:0033363, OMIM 617391.

Allele frequency attached by ClinVar (database versions not stated): ExAC 0.00002.

Submission:

Labcorp Genetics (formerly Invitae), Labcorp
Classification: Uncertain significance for Developmental and epileptic encephalopathy, 54. Last evaluated: 2023-04-12. Review status: criteria provided, single submitter. Criteria: Invitae Variant Classification Sherloc (09022015). Collection method: clinical testing. Allele origin: germline.
Comment: In summary, the available evidence is currently insufficient to determine the role of this variant in disease. Therefore, it has been classified as a Variant of Uncertain Significance. An algorithm developed to predict the effect of missense changes on protein structure and function (PolyPhen-2) suggests that this variant is likely to be tolerated. ClinVar contains an entry for this variant (Variation ID: 2151841). This variant has not been reported in the literature in individuals affected with HNRNPU-related conditions. This variant is present in population databases (rs746177161, gnomAD 0.001%). This sequence change replaces glutamic acid, which is acidic and polar, with lysine, which is basic and polar, at codon 217 of the HNRNPU protein (p.Glu217Lys).

NM_031844.3(HNRNPU):c.649G>A (p.Glu217Lys)

Gene: HNRNPU (heterogeneous nuclear ribonucleoprotein U; minus strand). Cytogenetic location: 1q44.
Variant type: single nucleotide variant.
Coding change: c.649G>A on transcript NM_031844.3 (MANE Select); coding-DNA position 649, G replaced by A.
Protein change: p.Glu217Lys; replaces glutamic acid 217 with lysine.
Molecular consequence: missense variant. On other transcripts: intron variant (1).
Genome position (GRCh38, 1-based): chr1:244,863,659, C>T on the plus strand (G>A on the coding strand, the complement: HNRNPU is on the minus strand). VCF-style: chr1-244863659-C-T. GRCh37 (hg19) VCF-style: chr1-245026961-C-T.
Other names: c.634+15G>A (NM_004501.3); short protein forms E217K.
Identifiers: ClinVar variation 2151841 (VCV002151841.4), dbSNP rs746177161, ClinGen allele CA1486760.